The following is an entry in ClinVar:

ClinVar aggregate classification (germline): Uncertain significance. Review status: criteria provided, multiple submitters, no conflicts (2 of 4 stars). 2 submissions from 2 submitters: Uncertain significance (2). Last evaluated 2025-11-26.

Conditions:
Inborn genetic diseases. Identifiers: MedGen C0950123, MeSH D030342.

Submissions (2):

Ambry Genetics
Classification: Uncertain significance for Inborn genetic diseases. Last evaluated: 2025-11-26. Review status: criteria provided, single submitter. Criteria: Ambry Variant Classification Scheme 2023. Collection method: clinical testing. Allele origin: germline.

Labcorp Genetics (formerly Invitae), Labcorp
Classification: Uncertain significance. Last evaluated: 2025-04-21. Review status: criteria provided, single submitter. Criteria: Invitae Variant Classification Sherloc (09022015). Collection method: clinical testing. Allele origin: germline.
Comment: This sequence change replaces serine, which is neutral and polar, with isoleucine, which is neutral and non-polar, at codon 1329 of the ERCC6 protein (p.Ser1329Ile). This variant is not present in population databases (gnomAD no frequency). This variant has not been reported in the literature in individuals affected with ERCC6-related conditions. ClinVar contains an entry for this variant (Variation ID: 2011027). An algorithm developed to predict the effect of missense changes on protein structure and function (PolyPhen-2) suggests that this variant is likely to be tolerated. In summary, the available evidence is currently insufficient to determine the role of this variant in disease. Therefore, it has been classified as a Variant of Uncertain Significance.

NM_000124.4(ERCC6):c.3986G>T (p.Ser1329Ile)

Gene: ERCC6 (ERCC excision repair 6, chromatin remodeling factor; minus strand). Cytogenetic location: 10q11.23.
Variant type: single nucleotide variant.
Coding change: c.3986G>T on transcript NM_000124.4 (MANE Select); coding-DNA position 3986, G replaced by T.
Protein change: p.Ser1329Ile; replaces serine 1329 with isoleucine.
Molecular consequence: missense variant.
Genome position (GRCh38, 1-based): chr10:49,460,449, C>A on the plus strand (G>T on the coding strand, the complement: ERCC6 is on the minus strand). VCF-style: chr10-49460449-C-A. GRCh37 (hg19) VCF-style: chr10-50668495-C-A.
Other names: c.3986G>T, p.Ser1329Ile (NM_001346440.2); short protein forms S1329I.
Identifiers: ClinVar variation 2011027 (VCV002011027.5), dbSNP rs2495946975, ClinGen allele CA376708177.